The following is an entry in ClinVar:

ClinVar aggregate classification (germline): Uncertain significance (1 of 4 stars; one submission).

Allele frequency attached by ClinVar (database versions not stated): gnomAD exomes below 0.00001; gnomAD 0.00001; TOPMed 0.00001.

Submission:

Labcorp Genetics (formerly Invitae), Labcorp
Classification: Uncertain significance. Last evaluated: 2023-03-04. Review status: criteria provided, single submitter. Criteria: Invitae Variant Classification Sherloc (09022015). Collection method: clinical testing. Allele origin: germline.
Comment: In summary, the available evidence is currently insufficient to determine the role of this variant in disease. Therefore, it has been classified as a Variant of Uncertain Significance. An algorithm developed to predict the effect of missense changes on protein structure and function (PolyPhen-2) suggests that this variant is likely to be disruptive. This variant has not been reported in the literature in individuals affected with SON-related conditions. This variant is not present in population databases (gnomAD no frequency). This sequence change replaces methionine, which is neutral and non-polar, with valine, which is neutral and non-polar, at codon 1058 of the SON protein (p.Met1058Val).

NM_138927.4(SON):c.3172A>G (p.Met1058Val)

Gene: SON (SON DNA and RNA binding protein; plus strand). Cytogenetic location: 21q22.11.
Variant type: single nucleotide variant.
Coding change: c.3172A>G on transcript NM_138927.4 (MANE Select); coding-DNA position 3172, A replaced by G.
Protein change: p.Met1058Val; replaces methionine 1058 with valine.
Molecular consequence: missense variant. On other transcripts: non-coding transcript variant (1), intron variant (1).
Genome position (GRCh38, 1-based): chr21:33,552,403, A>G. VCF-style: chr21-33552403-A-G. GRCh37 (hg19) VCF-style: chr21-34924709-A-G.
Other names: c.3172A>G, p.Met1058Val (NM_001291411.2, NM_001412133.1, NM_032195.3 and 2 more transcripts); c.245-4753A>G (NM_001291412.3); short protein forms M1058V.
Identifiers: ClinVar variation 2909406 (VCV002909406.3), dbSNP rs1431872997, ClinGen allele CA410159621.